The following is an entry in ClinVar:

NM_001220.5(CAMK2B):c.1365C>A (p.Asn455Lys)

Gene: CAMK2B (calcium/calmodulin dependent protein kinase II beta; minus strand). Cytogenetic location: 7p13.
Variant type: single nucleotide variant.
Coding change: c.1365C>A on transcript NM_001220.5 (MANE Select); coding-DNA position 1365, C replaced by A.
Protein change: p.Asn455Lys; replaces asparagine 455 with lysine.
Molecular consequence: missense variant. On other transcripts: intron variant (8).
Genome position (GRCh38, 1-based): chr7:44,228,899, G>T on the plus strand (C>A on the coding strand, the complement: CAMK2B is on the minus strand). VCF-style: chr7-44228899-G-T. GRCh37 (hg19) VCF-style: chr7-44268498-G-T.
Other names: c.947-7998C>A (NM_172084.3); c.1150+2107C>A (NM_172080.3); c.1036+2107C>A (NM_172083.3); c.1108+2107C>A (NM_172081.3); c.1153+2107C>A (NM_172079.3, NM_172082.3); c.1225+2107C>A (NM_001293170.2, NM_172078.3); short protein forms N455K.
Identifiers: ClinVar variation 1998062 (VCV001998062.4), dbSNP rs2096549193, ClinGen allele CA367373266.

ClinVar aggregate classification (germline): Uncertain significance (1 of 4 stars; one submission).

Submission:

Labcorp Genetics (formerly Invitae), Labcorp
Classification: Uncertain significance. Last evaluated: 2024-08-12. Review status: criteria provided, single submitter. Criteria: Invitae Variant Classification Sherloc (09022015). Collection method: clinical testing. Allele origin: germline.
Comment: This sequence change replaces asparagine, which is neutral and polar, with lysine, which is basic and polar, at codon 455 of the CAMK2B protein (p.Asn455Lys). This variant is not present in population databases (gnomAD no frequency). This variant has not been reported in the literature in individuals affected with CAMK2B-related conditions. ClinVar contains an entry for this variant (Variation ID: 1998062). An algorithm developed to predict the effect of missense changes on protein structure and function (PolyPhen-2) suggests that this variant is likely to be tolerated. In summary, the available evidence is currently insufficient to determine the role of this variant in disease. Therefore, it has been classified as a Variant of Uncertain Significance.